The following is an entry in ClinVar:

NM_032578.4(MYPN):c.3848G>A (p.Arg1283His)

Gene: MYPN (myopalladin; plus strand). Cytogenetic location: 10q21.3.
Variant type: single nucleotide variant.
Coding change: c.3848G>A on transcript NM_032578.4 (MANE Select); coding-DNA position 3848, G replaced by A.
Protein change: p.Arg1283His; replaces arginine 1283 with histidine.
Molecular consequence: missense variant. On other transcripts: non-coding transcript variant (2).
Genome position (GRCh38, 1-based): chr10:68,210,340, G>A. VCF-style: chr10-68210340-G-A. GRCh37 (hg19) VCF-style: chr10-69970097-G-A.
Other names: c.3848G>A, p.Arg1283His (NM_001256267.2); c.2966G>A, p.Arg989His (NM_001256268.2); short protein forms R1283H, R989H.
Identifiers: ClinVar variation 655496 (VCV000655496.55), dbSNP rs372512501, ClinGen allele CA5523177.
Genomic context (GRCh38, chr10:68,210,340, plus strand): 5'-TTCCAGCTCAGTGGCACCATCAGATCCCACCGCCCATGTCTGTCCGGCCCAGTGGCAGTC[G>A]CTACGGATCTCTCACCAGTAAAGGACTTGACATATTTTCTGCCTTTTCCTCCATGGAAAG-3'
Protein context (NP_115967.2, residues 1273-1293): PPMSVRPSGS[Arg1283His]YGSLTSKGLD

ClinVar aggregate classification (germline): Uncertain significance. Review status: criteria provided, multiple submitters, no conflicts (2 of 4 stars). 7 submissions from 7 submitters: Uncertain significance (7). Last evaluated 2025-09-17.

Conditions:
Cardiovascular phenotype. Identifiers: MedGen CN230736.
Dilated cardiomyopathy 1KK (CMD1KK). Identifiers: Orphanet 154, Orphanet 75249, MedGen C3714995, MONDO:0014100, OMIM 615248.
MYPN-related disorder. Also called: MYPN-related condition.
MYPN-related myopathy (CMYO24). Also called: Nemaline myopathy 11, autosomal recessive. Identifiers: MedGen C4479186, MONDO:0015023, OMIM 617336.

Allele frequency attached by ClinVar (database versions not stated): gnomAD exomes 0.00002 and 0.00004; ExAC 0.00003; ESP Exome Variant Server 0.00008; gnomAD 0.00011; 1000 Genomes Project 30x 0.00016; TOPMed 0.00017.
gnomAD v4.1: 53 of 1,614,062 alleles (0.0033%); highest among the groups gnomAD compares: African/African-American, 0.028%; no homozygotes.

Submissions (7):

PreventionGenetics, part of Exact Sciences
Classification: Uncertain significance for MYPN-related condition. Last evaluated: 2025-09-17. Review status: criteria provided, single submitter. Criteria: ACMG Guidelines, 2015. Collection method: clinical testing. Allele origin: germline.
Comment: The MYPN c.3848G>A variant is predicted to result in the amino acid substitution p.Arg1283His. This variant has been reported in family members with hypertrophic cardiomyopathy who also carried additional variants in other cardiomyopathy-associated genes (Chen et al. 2017. PubMed ID: 28427417) as well as in an individual with dilated cardiomyopathy (Supplemental Table 4, Verdonschot et al. 2020. PubMed ID: 32880476). This variant is reported in 0.032% of alleles in individuals of African descent in gnomAD. At this time, the clinical significance of this variant is uncertain due to the absence of conclusive functional and genetic evidence.

Revvity Omics, Revvity
Classification: Uncertain significance. Last evaluated: 2024-05-28. Review status: criteria provided, single submitter. Criteria: ACMG Guidelines, 2015. Collection method: clinical testing. Allele origin: germline.

Ambry Genetics
Classification: Uncertain significance for Cardiovascular phenotype. Last evaluated: 2024-01-02. Review status: criteria provided, single submitter. Criteria: Ambry Variant Classification Scheme 2023. Collection method: clinical testing. Allele origin: germline.
Comment: The p.R1283H variant (also known as c.3848G>A), located in coding exon 19 of the MYPN gene, results from a G to A substitution at nucleotide position 3848. The arginine at codon 1283 is replaced by histidine, an amino acid with highly similar properties. This variant was also reported in one individual from a dilated cardiomyopathy (DCM) cohort, although clinical details were limited (Verdonschot JAJ et al. Circ Genom Precis Med, 2020 10;13:476-487). This amino acid position is highly conserved in available vertebrate species. In addition, the in silico prediction for this alteration is inconclusive. Since supporting evidence is limited at this time, the clinical significance of this alteration remains unclear.

GeneDx
Classification: Uncertain significance. Last evaluated: 2023-05-15. Review status: criteria provided, single submitter. Criteria: GeneDx Variant Classification Process June 2021. Collection method: clinical testing. Allele origin: germline. Affected: yes.
Comment: Identified in a family with hypertrophic cardiomyopathy, early repolarization, and short QT syndrome (Chen et al., 2017); Reported in an individual with DCM (Verdonschot et al., 2020); In silico analysis supports that this missense variant has a deleterious effect on protein structure/function; This variant is associated with the following publications: (PMID: 28427417, 28490369, 32880476, 34426522)

Labcorp Genetics (formerly Invitae), Labcorp
Classification: Uncertain significance for Dilated cardiomyopathy 1KK. Last evaluated: 2022-08-16. Review status: criteria provided, single submitter. Criteria: Invitae Variant Classification Sherloc (09022015). Collection method: clinical testing. Allele origin: germline.
Comment: This sequence change replaces arginine, which is basic and polar, with histidine, which is basic and polar, at codon 1283 of the MYPN protein (p.Arg1283His). This variant is present in population databases (rs372512501, gnomAD 0.04%). This missense change has been observed in individual(s) with craniosynostosis, generalized weakness, hypotonia, and global dev delay (Invitae). ClinVar contains an entry for this variant (Variation ID: 655496). Algorithms developed to predict the effect of missense changes on protein structure and function are either unavailable or do not agree on the potential impact of this missense change (SIFT: "Deleterious"; PolyPhen-2: "Probably Damaging"; Align-GVGD: "Class C0"). In summary, the available evidence is currently insufficient to determine the role of this variant in disease. Therefore, it has been classified as a Variant of Uncertain Significance.

Fulgent Genetics
Classification: Uncertain significance for Dilated cardiomyopathy 1KK; MYPN-related myopathy. Last evaluated: 2021-08-17. Review status: criteria provided, single submitter. Criteria: ACMG Guidelines, 2015. Collection method: clinical testing. Allele origin: unknown.

CeGaT Center for Human Genetics Tuebingen
Classification: Uncertain significance. Last evaluated: 2019-03-01. Review status: criteria provided, single submitter. Criteria: CeGaT Center For Human Genetics Tuebingen Variant Classification Criteria Version 2. Collection method: clinical testing. Allele origin: germline. Affected: yes. Observed: 1 variant allele.

Literature cited by the submitters: PubMed 28427417 (cited by Ambry Genetics); PubMed 32880476 (cited by Ambry Genetics).